The following is an entry in ClinVar:

ClinVar aggregate classification (germline): Uncertain significance (1 of 4 stars; one submission).

Conditions:
Hereditary cancer-predisposing syndrome. Also called: Neoplastic Syndromes, Hereditary; Tumor predisposition; Hereditary Cancer Syndrome; Hereditary neoplastic syndrome. Identifiers: Orphanet 140162, MedGen C0027672, MeSH D009386, MONDO:0015356.

Submission:

Ambry Genetics
Classification: Uncertain significance for Hereditary cancer-predisposing syndrome. Last evaluated: 2026-05-08. Review status: criteria provided, single submitter. Criteria: Ambry Variant Classification Scheme 2023. Collection method: clinical testing. Allele origin: germline.
Comment: The c.-5A>G variant is located in the 5' untranslated region (5&rsquo; UTR) of the SDHD gene. This variant results from an A to G substitution 5 bases upstream from the first translated codon. This nucleotide position is not well conserved in available vertebrate species. Based on the available evidence, the clinical significance of this variant remains unclear.

NM_003002.4(SDHD):c.-5A>G

Genes: SDHD (succinate dehydrogenase complex subunit D; plus strand), LOC126861339 (BRD4-independent group 4 enhancer GRCh37_chr11:111957035-111958234; plus strand). Cytogenetic location: 11q23.1.
Variant type: single nucleotide variant.
Coding change: c.-5A>G on transcript NM_003002.4 (MANE Select); 5 bases upstream of the start codon, A replaced by G.
Molecular consequence: 5 prime UTR variant. On other transcripts: non-coding transcript variant (1).
Genome position (GRCh38, 1-based): chr11:112,086,903, A>G. VCF-style: chr11-112086903-A-G. GRCh37 (hg19) VCF-style: chr11-111957627-A-G.
Other names: c.-5A>G (NM_001276503.2, NM_001276504.2, NM_001276506.2).
Identifiers: ClinVar variation 4864288 (VCV004864288.1).